The following is an entry in ClinVar:

NM_153717.3(EVC):c.1346del (p.Thr449fs)

Gene: EVC (EvC ciliary complex subunit 1; plus strand). Cytogenetic location: 4p16.2.
Variant type: Deletion.
Coding change: c.1346del on transcript NM_153717.3 (MANE Select); coding-DNA position 1346, one base deleted (C; older notation c.1346delC).
Protein change: p.Thr449fs; shifts the reading frame from threonine 449.
Molecular consequence: frameshift variant.
Genome position (GRCh38, 1-based): chr4:5,753,815, C deleted. VCF-style (leftmost placement, unchanged base first): chr4-5753814-AC-A. GRCh37 (hg19) VCF-style: chr4-5755541-AC-A.
Other names: c.1346del, p.Thr449fs (NM_001306090.2, NM_001306092.2); short protein forms T449fs.
Identifiers: ClinVar variation 3748627 (VCV003748627.2).

ClinVar aggregate classification (germline): Pathogenic (1 of 4 stars; one submission).

Conditions:
Ellis-van Creveld syndrome (EVC). Also called: EVC-Related Ellis-van Creveld Syndrome; EVC2-Related Ellis-van Creveld Syndrome; MESOECTODERMAL DYSPLASIA; Chondroectodermal dysplasia. Identifiers: Orphanet 289, MedGen C0013903, MONDO:0009162, OMIM 225500.
Curry-Hall syndrome (WAD). Also called: WEYERS ACRODENTAL DYSOSTOSIS. Identifiers: Orphanet 952, MedGen C0457013, MONDO:0008673, OMIM 193530.

Submission:

Labcorp Genetics (formerly Invitae), Labcorp
Classification: Pathogenic for Curry-Hall syndrome; Ellis-van Creveld syndrome. Last evaluated: 2024-11-04. Review status: criteria provided, single submitter. Criteria: Invitae Variant Classification Sherloc (09022015). Collection method: clinical testing. Allele origin: germline.
Comment: This sequence change creates a premature translational stop signal (p.Thr449Argfs*51) in the EVC gene. It is expected to result in an absent or disrupted protein product. Loss-of-function variants in EVC are known to be pathogenic (PMID: 23220543). This variant is not present in population databases (gnomAD no frequency). This variant has not been reported in the literature in individuals affected with EVC-related conditions. Algorithms developed to predict the effect of sequence changes on RNA splicing suggest that this variant may disrupt the consensus splice site. For these reasons, this variant has been classified as Pathogenic.

Literature cited by the submitters: PubMed 23220543.